The following is an entry in ClinVar:

ClinVar aggregate classification (germline): Likely benign. Review status: criteria provided, multiple submitters, no conflicts (2 of 4 stars). 2 submissions from 2 submitters: Likely benign (2). Last evaluated 2025-01-30.

Allele frequency attached by ClinVar (database versions not stated): TOPMed 0.00002; gnomAD 0.00003.
gnomAD v4.1: 18 of 1,613,486 alleles (0.0011%); highest among the groups gnomAD compares: Middle Eastern, 0.049%; no homozygotes.

Submissions (2):

Labcorp Genetics (formerly Invitae), Labcorp
Classification: Likely benign. Last evaluated: 2025-01-30. Review status: criteria provided, single submitter. Criteria: Invitae Variant Classification Sherloc (09022015). Collection method: clinical testing. Allele origin: germline.

GeneDx
Classification: Likely benign. Last evaluated: 2016-03-17. Review status: criteria provided, single submitter. Criteria: GeneDx Variant Classification (06012015). Collection method: clinical testing. Allele origin: germline. Affected: yes.
Comment: This variant is considered likely benign or benign based on one or more of the following criteria: it is a conservative change, it occurs at a poorly conserved position in the protein, it is predicted to be benign by multiple in silico algorithms, and/or has population frequency not consistent with disease.

NM_080916.3(DGUOK):c.18C>G (p.Leu6=)

Genes: DGUOK (deoxyguanosine kinase; plus strand), LOC129934096 (ATAC-STARR-seq lymphoblastoid active region 16036; plus strand). Cytogenetic location: 2p13.1.
Variant type: single nucleotide variant.
Coding change: c.18C>G on transcript NM_080916.3 (MANE Select); coding-DNA position 18, C replaced by G.
Protein change: p.Leu6=; no amino-acid change (leucine 6 retained).
Molecular consequence: synonymous variant. On other transcripts: 5 prime UTR variant (4), non-coding transcript variant (6).
Genome position (GRCh38, 1-based): chr2:73,926,928, C>G. VCF-style: chr2-73926928-C-G. GRCh37 (hg19) VCF-style: chr2-74154055-C-G.
Other names: c.18C>G, p.Leu6= (NM_001318859.2, NM_080918.3); c.-161C>G (NM_001318860.2, NM_001318863.2); c.-247C>G (NM_001318861.2, NM_001318862.2).
Identifiers: ClinVar variation 384580 (VCV000384580.6), dbSNP rs1054034625, ClinGen allele CA16604303.